The following is an entry in ClinVar:

NM_213649.2(SFXN4):c.616+288G>A

Gene: SFXN4 (sideroflexin 4; minus strand). Cytogenetic location: 10q26.11.
Variant type: single nucleotide variant.
Coding change: c.616+288G>A on transcript NM_213649.2 (MANE Select); 288 bases into the intron after coding-DNA position 616, G replaced by A.
Molecular consequence: intron variant.
Genome position (GRCh38, 1-based): chr10:119,156,390, C>T on the plus strand (G>A on the coding strand, the complement: SFXN4 is on the minus strand). VCF-style: chr10-119156390-C-T. GRCh37 (hg19) VCF-style: chr10-120915902-C-T.
Identifiers: ClinVar variation 671574 (VCV000671574.1), dbSNP rs145641145, ClinGen allele CA214175109.

ClinVar aggregate classification (germline): Likely benign (1 of 4 stars; one submission).

Allele frequency attached by ClinVar (database versions not stated): gnomAD 0.01211 and 0.01347; TOPMed 0.01890; 1000 Genomes Project 30x 0.02967; 1000 Genomes Project 0.03035.
gnomAD v4.1: 2,048 of 152,318 alleles (1.3%); highest among the groups gnomAD compares: East Asian, 8.5%; 51 homozygotes.

Submission:

GeneDx
Classification: Likely benign. Last evaluated: 2018-06-16. Review status: criteria provided, single submitter. Criteria: GeneDx Variant Classification (06012015). Collection method: clinical testing. Allele origin: germline. Affected: yes.
Comment: This variant is considered likely benign or benign based on one or more of the following criteria: it is a conservative change, it occurs at a poorly conserved position in the protein, it is predicted to be benign by multiple in silico algorithms, and/or has population frequency not consistent with disease.